The following is an entry in ClinVar:

ClinVar aggregate classification (germline): Uncertain significance (1 of 4 stars; one submission).

Conditions:
Familial hemophagocytic lymphohistiocytosis 3 (FHL3). Also called: UNC13D-Related Familial Hemophagocytic Lymphohistiocytosis (UNC13D-fHLH). Identifiers: Orphanet 540, MedGen C1837174, MONDO:0012146, OMIM 608898.

Allele frequency attached by ClinVar (database versions not stated): gnomAD exomes below 0.00001; TOPMed below 0.00001; ExAC 0.00001; gnomAD 0.00003.
gnomAD v4.1: 7 of 1,612,610 alleles (0.00043%); highest among the groups gnomAD compares: African/African-American, 0.0093%; no homozygotes.

Submission:

Labcorp Genetics (formerly Invitae), Labcorp
Classification: Uncertain significance for Familial hemophagocytic lymphohistiocytosis 3. Last evaluated: 2021-12-20. Review status: criteria provided, single submitter. Criteria: Invitae Variant Classification Sherloc (09022015). Collection method: clinical testing. Allele origin: germline.
Comment: This sequence change replaces aspartic acid, which is acidic and polar, with asparagine, which is neutral and polar, at codon 185 of the UNC13D protein (p.Asp185Asn). This variant is present in population databases (rs777842031, gnomAD 0.01%). This variant has not been reported in the literature in individuals affected with UNC13D-related conditions. Algorithms developed to predict the effect of missense changes on protein structure and function are either unavailable or do not agree on the potential impact of this missense change (SIFT: "Not Available"; PolyPhen-2: "Benign"; Align-GVGD: "Not Available"). In summary, the available evidence is currently insufficient to determine the role of this variant in disease. Therefore, it has been classified as a Variant of Uncertain Significance.

NM_199242.3(UNC13D):c.553G>A (p.Asp185Asn)

Gene: UNC13D (unc-13 homolog D; minus strand). Cytogenetic location: 17q25.1.
Variant type: single nucleotide variant.
Coding change: c.553G>A on transcript NM_199242.3 (MANE Select); coding-DNA position 553, G replaced by A.
Protein change: p.Asp185Asn; replaces aspartic acid 185 with asparagine.
Molecular consequence: missense variant.
Genome position (GRCh38, 1-based): chr17:75,842,449, C>T on the plus strand (G>A on the coding strand, the complement: UNC13D is on the minus strand). VCF-style: chr17-75842449-C-T. GRCh37 (hg19) VCF-style: chr17-73838530-C-T.
Other names: short protein forms D185N.
Identifiers: ClinVar variation 2415034 (VCV002415034.6), dbSNP rs777842031, ClinGen allele CA8773443.